The following is an entry in ClinVar:

NM_000059.4(BRCA2):c.9257-6141C>T

Gene: BRCA2 (BRCA2 DNA repair associated; plus strand). Cytogenetic location: 13q13.1.
Variant type: single nucleotide variant.
Coding change: c.9257-6141C>T on transcript NM_000059.4 (MANE Select); 6141 bases into the intron before coding-DNA position 9257, C replaced by T.
Molecular consequence: intron variant.
Genome position (GRCh38, 1-based): chr13:32,388,548, C>T. VCF-style: chr13-32388548-C-T. GRCh37 (hg19) VCF-style: chr13-32962685-C-T.
Other names: IVS 24-6141C>T.
Identifiers: ClinVar variation 209883 (VCV000209883.1), dbSNP rs11571800, ClinGen allele CA276851.
Genomic context (GRCh38, chr13:32,388,548, plus strand): 5'-CACTTCCAGTACAGTATGCAATAAATTACATGAGATATTCAACACTTTTTTTTTTAAAAA[C>T]AGGCCTTGCGTTAGATGATTTTGCTCAACTGTAGGCTAATATAAGTGTTCTGAACACATT-3'

ClinVar aggregate classification (germline): Benign (3 of 4 stars; one submission).

Conditions:
Breast-ovarian cancer, familial, susceptibility to, 2 (BROVCA2). Also called: BRCA2 Hereditary Breast and Ovarian Cancer. Identifiers: Orphanet 145, MedGen C2675520, MONDO:0012933, OMIM 612555. Disease mechanism: loss of function.

Allele frequency attached by ClinVar (database versions not stated): gnomAD 0.00734 and 0.00791; 1000 Genomes Project 0.00819; TOPMed 0.00822; 1000 Genomes Project 30x 0.00843.

Submission:

Evidence-based Network for the Interpretation of Germline Mutant Alleles (ENIGMA)
Classification: Benign for Breast-ovarian cancer, familial 2. Last evaluated: 2015-01-12. Review status: reviewed by expert panel. Criteria: ENIGMA BRCA1/2 Classification Criteria (2015). Collection method: curation. Allele origin: germline.
Comment: Class 1 not pathogenic based on frequency >1% in an outbred sampleset. Frequency 0.04268 (African), derived from 1000 genomes (2012-04-30).